The following is an entry in ClinVar:

NM_021098.3(CACNA1H):c.5155G>A (p.Val1719Met)

Gene: CACNA1H (calcium voltage-gated channel subunit alpha1 H; plus strand). Cytogenetic location: 16p13.3.
Variant type: single nucleotide variant.
Coding change: c.5155G>A on transcript NM_021098.3 (MANE Select); coding-DNA position 5155, G replaced by A.
Protein change: p.Val1719Met; replaces valine 1719 with methionine.
Molecular consequence: missense variant.
Genome position (GRCh38, 1-based): chr16:1,215,357, G>A. VCF-style: chr16-1215357-G-A. GRCh37 (hg19) VCF-style: chr16-1265357-G-A.
Other names: c.5155G>A (NM_021098.2); c.5137G>A, p.Val1713Met (NM_001005407.2); short protein forms V1713M, V1719M.
Identifiers: ClinVar variation 1475338 (VCV001475338.9), dbSNP rs768128693, ClinGen allele CA7801812.

ClinVar aggregate classification (germline): Uncertain significance. Review status: criteria provided, multiple submitters, no conflicts (2 of 4 stars). 2 submissions from 2 submitters: Uncertain significance (2). Last evaluated 2025-05-12.

Conditions:
Hyperaldosteronism, familial, type IV (HALD4). Also called: FH IV; ALDOSTERONISM, PRIMARY, AND HYPERTENSION. Identifiers: Orphanet 642671, MedGen C4310756, MONDO:0014875, OMIM 617027.
Idiopathic generalized epilepsy. Also called: EIG; Generalised epilepsy. Identifiers: MedGen C0270850, MONDO:0005579, OMIM 600669.
Inborn genetic diseases. Identifiers: MedGen C0950123, MeSH D030342.

Allele frequency attached by ClinVar (database versions not stated): ExAC 0.00001; gnomAD 0.00001 and 0.00002; TOPMed 0.00001.
gnomAD v4.1: 33 of 1,611,366 alleles (0.002%); highest among the groups gnomAD compares: Non-Finnish European, 0.0027%; no homozygotes.

Submissions (2):

Labcorp Genetics (formerly Invitae), Labcorp
Classification: Uncertain significance for Idiopathic generalized epilepsy; Hyperaldosteronism, familial, type IV. Last evaluated: 2025-05-12. Review status: criteria provided, single submitter. Criteria: Invitae Variant Classification Sherloc (09022015). Collection method: clinical testing. Allele origin: germline.
Comment: This sequence change replaces valine, which is neutral and non-polar, with methionine, which is neutral and non-polar, at codon 1719 of the CACNA1H protein (p.Val1719Met). The frequency data for this variant in the population databases is considered unreliable, as metrics indicate poor data quality at this position in the gnomAD database. This variant has not been reported in the literature in individuals affected with CACNA1H-related conditions. ClinVar contains an entry for this variant (Variation ID: 1475338). Invitae Evidence Modeling of protein sequence and biophysical properties (such as structural, functional, and spatial information, amino acid conservation, physicochemical variation, residue mobility, and thermodynamic stability) indicates that this missense variant is expected to disrupt CACNA1H protein function with a positive predictive value of 80%. In summary, the available evidence is currently insufficient to determine the role of this variant in disease. Therefore, it has been classified as a Variant of Uncertain Significance.

Ambry Genetics
Classification: Uncertain significance for Inborn genetic diseases. Last evaluated: 2025-04-12. Review status: criteria provided, single submitter. Criteria: Ambry Variant Classification Scheme 2023. Collection method: clinical testing. Allele origin: germline.